The following is an entry in ClinVar:

NM_000297.4(PKD2):c.2725G>A (p.Val909Ile)

Gene: PKD2 (polycystin 2, transient receptor potential cation channel; plus strand). Cytogenetic location: 4q22.1.
Variant type: single nucleotide variant.
Coding change: c.2725G>A on transcript NM_000297.4 (MANE Select); coding-DNA position 2725, G replaced by A.
Protein change: p.Val909Ile; replaces valine 909 with isoleucine.
Molecular consequence: missense variant. On other transcripts: non-coding transcript variant (1).
Genome position (GRCh38, 1-based): chr4:88,075,512, G>A. VCF-style: chr4-88075512-G-A. GRCh37 (hg19) VCF-style: chr4-88996664-G-A.
Other names: c.2725G>A (NM_000297.3); short protein forms V909I.
Identifiers: ClinVar variation 1016988 (VCV001016988.9), dbSNP rs140848008, ClinGen allele CA3004346.

ClinVar aggregate classification (germline): Conflicting classifications of pathogenicity. Review status: criteria provided, conflicting classifications (1 of 4 stars). 2 submissions from 2 submitters: Uncertain significance (1); Likely benign (1). Last evaluated 2026-03-31.

Conditions:
PKD2-related disorder. Also called: PKD2-related condition.
Autosomal dominant polycystic kidney disease. Identifiers: Orphanet 730, MedGen C0085413, MONDO:0004691.

Allele frequency attached by ClinVar (database versions not stated): ExAC 0.00006; gnomAD exomes 0.00006 and 0.00007; gnomAD 0.00008 and 0.00009; TOPMed 0.00010.
gnomAD v4.1: 103 of 1,614,066 alleles (0.0064%); highest among the groups gnomAD compares: Admixed American, 0.0083%; 1 homozygote.

Submissions (2):

PreventionGenetics, part of Exact Sciences
Classification: Uncertain significance for PKD2-related condition. Last evaluated: 2026-03-31. Review status: criteria provided, single submitter. Criteria: ACMG Guidelines, 2015. Collection method: clinical testing. Allele origin: germline.
Comment: The PKD2 c.2725G>A variant is predicted to result in the amino acid substitution p.Val909Ile. This variant was reported in an infant in a genetic study of very early onset polycystic kidney disease (VEO-PKD) whose primary goal was to search for hypomorphic variants in PKD1 and PKD2 contributing to VEO-PKD; and this infant inherited two causative variants in PKD1 and PKD2 from the affected mother and this variant from the unaffected father (Case 8 in Durkie et al. 2021. PubMed ID: 33168999). Of note, a different rare substitution, defined as c.2726T>C (p.Val909Ala), was reported in an individual with autosomal dominant polycystic kidney disease (ADPKD) (Supplementary Table 2, Yu et al. 2022. PubMed ID: 35778421). The c.2725G>A (p.Val909Ile) variant is reported in 0.008% of alleles in individuals of European (Non-Finnish) descent with one homozygote in gnomAD v4.1.1. Although we suspect that this variant may be benign on its own, at this time, the clinical significance of this variant is uncertain due to the absence of conclusive functional and genetic evidence.

Labcorp Genetics (formerly Invitae), Labcorp
Classification: Likely benign for Autosomal dominant polycystic kidney disease. Last evaluated: 2025-10-26. Review status: criteria provided, single submitter. Criteria: Invitae Variant Classification Sherloc (09022015). Collection method: clinical testing. Allele origin: germline.